The following is an entry in ClinVar:

NM_001365999.1(SZT2):c.997C>T (p.Pro333Ser)

Gene: SZT2 (SZT2 subunit of KICSTOR complex; plus strand). Cytogenetic location: 1p34.2.
Variant type: single nucleotide variant.
Coding change: c.997C>T on transcript NM_001365999.1 (MANE Select); coding-DNA position 997, C replaced by T.
Protein change: p.Pro333Ser; replaces proline 333 with serine.
Molecular consequence: missense variant.
Genome position (GRCh38, 1-based): chr1:43,419,851, C>T. VCF-style: chr1-43419851-C-T. GRCh37 (hg19) VCF-style: chr1-43885522-C-T.
Other names: c.997C>T, p.Pro333Ser (NM_015284.4); short protein forms P333S.
Identifiers: ClinVar variation 1432368 (VCV001432368.8), dbSNP rs773484115, ClinGen allele CA340006077.
Genomic context (GRCh38, chr1:43,419,851, plus strand): 5'-ATGAAGTTCATCGCAATGGCAACATTTGGGTCCTACCTGTCCACTTGTCCTGAGCCGGAG[C>T]CAGGCAACCTGGGTCTGACTGTCTACCACCGGGCATTTCTCCTCTATTCCTTCCTGCGCA-3'
Protein context (NP_001352928.1, residues 323-343): SYLSTCPEPE[Pro333Ser]GNLGLTVYHR

ClinVar aggregate classification (germline): Uncertain significance (1 of 4 stars; one submission).

gnomAD v4.1: 6 of 1,598,460 alleles (0.00038%); highest among the groups gnomAD compares: Non-Finnish European, 0.00051%; no homozygotes.

Submission:

Labcorp Genetics (formerly Invitae), Labcorp
Classification: Uncertain significance. Last evaluated: 2021-03-29. Review status: criteria provided, single submitter. Criteria: Invitae Variant Classification Sherloc (09022015). Collection method: clinical testing. Allele origin: germline.
Comment: In summary, the available evidence is currently insufficient to determine the role of this variant in disease. Therefore, it has been classified as a Variant of Uncertain Significance. Algorithms developed to predict the effect of missense changes on protein structure and function are either unavailable or do not agree on the potential impact of this missense change (SIFT: "Deleterious"; PolyPhen-2: "Benign"; Align-GVGD: "Class C0"). This variant has not been reported in the literature in individuals with SZT2-related conditions. This variant is not present in population databases (ExAC no frequency). This sequence change replaces proline with serine at codon 333 of the SZT2 protein (p.Pro333Ser). The proline residue is weakly conserved and there is a moderate physicochemical difference between proline and serine.